The following is an entry in ClinVar:

ClinVar aggregate classification (germline): Uncertain significance (1 of 4 stars; one submission).

Conditions:
Leber congenital amaurosis 4 (LCA4). Identifiers: MedGen C1858386, MONDO:0011458, OMIM 604393.

Allele frequency attached by ClinVar (database versions not stated): gnomAD exomes 0.00001.
gnomAD v4.1: 5 of 1,613,164 alleles (0.00031%); highest among the groups gnomAD compares: Admixed American, 0.0033%; no homozygotes.

Submission:

Labcorp Genetics (formerly Invitae), Labcorp
Classification: Uncertain significance for Leber congenital amaurosis 4. Last evaluated: 2022-08-08. Review status: criteria provided, single submitter. Criteria: Invitae Variant Classification Sherloc (09022015). Collection method: clinical testing. Allele origin: germline.
Comment: This sequence change replaces valine, which is neutral and non-polar, with methionine, which is neutral and non-polar, at codon 81 of the AIPL1 protein (p.Val81Met). This variant is not present in population databases (gnomAD no frequency). This variant has not been reported in the literature in individuals affected with AIPL1-related conditions. Algorithms developed to predict the effect of missense changes on protein structure and function are either unavailable or do not agree on the potential impact of this missense change (SIFT: "Deleterious"; PolyPhen-2: "Possibly Damaging"; Align-GVGD: "Class C0"). In summary, the available evidence is currently insufficient to determine the role of this variant in disease. Therefore, it has been classified as a Variant of Uncertain Significance.

NM_014336.5(AIPL1):c.241G>A (p.Val81Met)

Gene: AIPL1 (AIP like 1 HSP90 co-chaperone; minus strand). Cytogenetic location: 17p13.2.
Variant type: single nucleotide variant.
Coding change: c.241G>A on transcript NM_014336.5 (MANE Select); coding-DNA position 241, G replaced by A.
Protein change: p.Val81Met; replaces valine 81 with methionine.
Molecular consequence: missense variant. On other transcripts: intron variant (1).
Genome position (GRCh38, 1-based): chr17:6,433,954, C>T on the plus strand (G>A on the coding strand, the complement: AIPL1 is on the minus strand). VCF-style: chr17-6433954-C-T. GRCh37 (hg19) VCF-style: chr17-6337274-C-T.
Other names: c.241G>A, p.Val81Met (NM_001033054.3, NM_001285401.3, NM_001285403.4); c.205G>A, p.Val69Met (NM_001285399.3); c.175G>A, p.Val59Met (NM_001285400.3); c.124G>A, p.Val42Met (NM_001285402.2); c.96+1055G>A (NM_001033055.3); short protein forms V42M, V59M, V81M, V69M.
Identifiers: ClinVar variation 2143963 (VCV002143963.1), dbSNP rs1329458187, ClinGen allele CA397397181.
Genomic context (GRCh38, chr17:6,433,954, plus strand): 5'-AGACAGGCGCGCAGGGCCTACTTACGATGGTGTCGCACCAGAACTCGGCCACCTCGTGCA[C>T]CCGCATGGAGGTAAGCAGGATCTCCCAGACCTCGAGCTTGAACATGTTTCCGATGATGAT-3'
Protein context (NP_055151.3, residues 71-91): VWEILLTSMR[Val81Met]HEVAEFWCDT